The following is an entry in ClinVar:

NM_001378120.1(MBD5):c.1603A>G (p.Thr535Ala)

Gene: MBD5 (methyl-CpG binding domain protein 5; plus strand). Cytogenetic location: 2q23.1.
Variant type: single nucleotide variant.
Coding change: c.1603A>G on transcript NM_001378120.1 (MANE Select); coding-DNA position 1603, A replaced by G.
Protein change: p.Thr535Ala; replaces threonine 535 with alanine.
Molecular consequence: missense variant.
Genome position (GRCh38, 1-based): chr2:148,469,546, A>G. VCF-style: chr2-148469546-A-G. GRCh37 (hg19) VCF-style: chr2-149227115-A-G.
Other names: c.1603A>G, p.Thr535Ala (NM_018328.5); short protein forms T535A.
Identifiers: ClinVar variation 3017486 (VCV003017486.3), dbSNP rs536447331, ClinGen allele CA1900036.
Genomic context (GRCh38, chr2:148,469,546, plus strand): 5'-CATCATCAGTACAAGGATATCCCTAACCCATTAATTGCTGGAATAAGTAATGTACTAAAT[A>G]CCCCAAGCAGTGCAGCTTTTCCTACTGCATCTGCCGGAAGTAGTTCTGTAAAGAGTCAGC-3'
Protein context (NP_001365049.1, residues 525-545): LIAGISNVLN[Thr535Ala]PSSAAFPTAS

ClinVar aggregate classification (germline): Uncertain significance (1 of 4 stars; one submission).

Conditions:
Intellectual developmental disorder, autosomal dominant 1. Also called: MBD5 Haploinsufficiency; Intellectual disability, autosomal dominant 1. Identifiers: Orphanet 228402, MedGen C1969562, MONDO:0007974, OMIM 156200.

Allele frequency attached by ClinVar (database versions not stated): gnomAD exomes below 0.00001; ExAC 0.00001; gnomAD 0.00001; TOPMed 0.00001; 1000 Genomes Project 0.00020; 1000 Genomes Project 30x 0.00031.
gnomAD v4.1: 3 of 1,613,720 alleles (0.00019%); highest among the groups gnomAD compares: African/African-American, 0.004%; no homozygotes.

Submission:

Labcorp Genetics (formerly Invitae), Labcorp
Classification: Uncertain significance for Intellectual developmental disorder, autosomal dominant 1. Last evaluated: 2023-11-20. Review status: criteria provided, single submitter. Criteria: Invitae Variant Classification Sherloc (09022015). Collection method: clinical testing. Allele origin: germline.
Comment: This sequence change replaces threonine, which is neutral and polar, with alanine, which is neutral and non-polar, at codon 535 of the MBD5 protein (p.Thr535Ala). This variant is present in population databases (rs536447331, gnomAD 0.007%). This variant has not been reported in the literature in individuals affected with MBD5-related conditions. Advanced modeling of protein sequence and biophysical properties (such as structural, functional, and spatial information, amino acid conservation, physicochemical variation, residue mobility, and thermodynamic stability) performed at Invitae indicates that this missense variant is not expected to disrupt MBD5 protein function with a negative predictive value of 80%. In summary, the available evidence is currently insufficient to determine the role of this variant in disease. Therefore, it has been classified as a Variant of Uncertain Significance.